The following is an entry in ClinVar:

ClinVar aggregate classification (germline): Uncertain significance. Review status: criteria provided, multiple submitters, no conflicts (2 of 4 stars). 2 submissions from 2 submitters: Uncertain significance (2). Last evaluated 2025-03-20.

Allele frequency attached by ClinVar (database versions not stated): gnomAD exomes below 0.00001; TOPMed below 0.00001; ExAC 0.00001.
gnomAD v4.1: 4 of 1,613,960 alleles (0.00025%); highest among the groups gnomAD compares: Non-Finnish European, 0.00025%; no homozygotes.

Submissions (2):

Labcorp Genetics (formerly Invitae), Labcorp
Classification: Uncertain significance. Last evaluated: 2025-03-20. Review status: criteria provided, single submitter. Criteria: Invitae Variant Classification Sherloc (09022015). Collection method: clinical testing. Allele origin: germline.
Comment: This sequence change replaces serine, which is neutral and polar, with threonine, which is neutral and polar, at codon 1534 of the SMARCA2 protein (p.Ser1534Thr). This variant is present in population databases (rs770706675, gnomAD 0.0009%). This variant has not been reported in the literature in individuals affected with SMARCA2-related conditions. ClinVar contains an entry for this variant (Variation ID: 1806684). Invitae Evidence Modeling of protein sequence and biophysical properties (such as structural, functional, and spatial information, amino acid conservation, physicochemical variation, residue mobility, and thermodynamic stability) indicates that this missense variant is not expected to disrupt SMARCA2 protein function with a negative predictive value of 80%. In summary, the available evidence is currently insufficient to determine the role of this variant in disease. Therefore, it has been classified as a Variant of Uncertain Significance.

GeneDx
Classification: Uncertain significance. Last evaluated: 2022-06-21. Review status: criteria provided, single submitter. Criteria: GeneDx Variant Classification Process June 2021. Collection method: clinical testing. Allele origin: germline. Affected: yes.
Comment: In silico analysis supports that this missense variant does not alter protein structure/function; Has not been previously published as pathogenic or benign to our knowledge

NM_003070.5(SMARCA2):c.4600T>A (p.Ser1534Thr)

Gene: SMARCA2 (SWI/SNF related BAF chromatin remodeling complex subunit ATPase 2; plus strand). Cytogenetic location: 9p24.3.
Variant type: single nucleotide variant.
Coding change: c.4600T>A on transcript NM_003070.5 (MANE Select); coding-DNA position 4600, T replaced by A.
Protein change: p.Ser1534Thr; replaces serine 1534 with threonine.
Molecular consequence: missense variant.
Genome position (GRCh38, 1-based): chr9:2,191,271, T>A. VCF-style: chr9-2191271-T-A. GRCh37 (hg19) VCF-style: chr9-2191271-T-A.
Other names: c.4600T>A, p.Ser1534Thr (NM_001289396.2); c.4372T>A, p.Ser1458Thr (NM_001289397.2); c.574T>A, p.Ser192Thr (NM_001289398.2); c.658T>A, p.Ser220Thr (NM_001289399.2); c.664T>A, p.Ser222Thr (NM_001289400.2); c.4546T>A, p.Ser1516Thr (NM_139045.4); short protein forms S1458T, S1516T, S1534T, S192T, S220T, S222T.
Identifiers: ClinVar variation 1806684 (VCV001806684.2), dbSNP rs770706675, ClinGen allele CA4964265.